The following is an entry in ClinVar:

NM_001377.3(DYNC2H1):c.2641G>T (p.Asp881Tyr)

Gene: DYNC2H1 (dynein cytoplasmic 2 heavy chain 1; plus strand). Cytogenetic location: 11q22.3.
Variant type: single nucleotide variant.
Coding change: c.2641G>T on transcript NM_001377.3 (MANE Select); coding-DNA position 2641, G replaced by T.
Protein change: p.Asp881Tyr; replaces aspartic acid 881 with tyrosine.
Molecular consequence: missense variant.
Genome position (GRCh38, 1-based): chr11:103,143,334, G>T. VCF-style: chr11-103143334-G-T. GRCh37 (hg19) VCF-style: chr11-103014063-G-T.
Other names: c.2641G>T, p.Asp881Tyr (NM_001080463.2); c.2641G>T (NM_001080463.1); short protein forms D881Y.
Identifiers: ClinVar variation 2130876 (VCV002130876.3), dbSNP rs1591309833, ClinGen allele CA382263688.

ClinVar aggregate classification (germline): Uncertain significance. Review status: criteria provided, multiple submitters, no conflicts (2 of 4 stars). 2 submissions from 2 submitters: Uncertain significance (2). Last evaluated 2023-09-13.

Conditions:
Jeune thoracic dystrophy. Also called: Jeune syndrome; Infantile thoracic dystrophy; Thoracic pelvic phalangeal dystrophy; Jeune's syndrome; Chondroectodermal dysplasia-like syndrome; Short-rib thoracic dysplasia. Identifiers: Orphanet 474, MedGen C0265275, MONDO:0018770.
Inborn genetic diseases. Identifiers: MedGen C0950123, MeSH D030342.

Allele frequency attached by ClinVar (database versions not stated): gnomAD exomes below 0.00001.
gnomAD v4.1: 1 of 1,613,240 alleles (0.000062%); highest among the groups gnomAD compares: East Asian, 0.0022%; no homozygotes.

Submissions (2):

Ambry Genetics
Classification: Uncertain significance for Inborn genetic diseases. Last evaluated: 2023-09-13. Review status: criteria provided, single submitter. Criteria: Ambry Variant Classification Scheme 2023. Collection method: clinical testing. Allele origin: germline.

Labcorp Genetics (formerly Invitae), Labcorp
Classification: Uncertain significance for Jeune thoracic dystrophy. Last evaluated: 2022-04-26. Review status: criteria provided, single submitter. Criteria: Invitae Variant Classification Sherloc (09022015). Collection method: clinical testing. Allele origin: germline.
Comment: This sequence change replaces aspartic acid, which is acidic and polar, with tyrosine, which is neutral and polar, at codon 881 of the DYNC2H1 protein (p.Asp881Tyr). This variant is not present in population databases (gnomAD no frequency). This variant has not been reported in the literature in individuals affected with DYNC2H1-related conditions. Advanced modeling of protein sequence and biophysical properties (such as structural, functional, and spatial information, amino acid conservation, physicochemical variation, residue mobility, and thermodynamic stability) performed at Invitae indicates that this missense variant is not expected to disrupt DYNC2H1 protein function. In summary, the available evidence is currently insufficient to determine the role of this variant in disease. Therefore, it has been classified as a Variant of Uncertain Significance.